The following is an entry in ClinVar:

NM_005562.3(LAMC2):c.-89A>G

Genes: LAMC2 (laminin subunit gamma 2; plus strand), LOC126805948 (MED14-independent group 3 enhancer GRCh37_chr1:183154769-183155968; plus strand). Cytogenetic location: 1q25.3.
Variant type: single nucleotide variant.
Coding change: c.-89A>G on transcript NM_005562.3 (MANE Select); 89 bases upstream of the start codon, A replaced by G.
Molecular consequence: 5 prime UTR variant.
Genome position (GRCh38, 1-based): chr1:183,186,264, A>G. VCF-style: chr1-183186264-A-G. GRCh37 (hg19) VCF-style: chr1-183155399-A-G.
Other names: c.-89A>G (NM_018891.3).
Identifiers: ClinVar variation 293979 (VCV000293979.11), dbSNP rs2276542, ClinGen allele CA10608882.

ClinVar aggregate classification (germline): Benign. Review status: criteria provided, multiple submitters, no conflicts (2 of 4 stars). 5 submissions from 4 submitters: Benign (5). Last evaluated 2021-07-08.

Conditions:
Junctional epidermolysis bullosa. Identifiers: Orphanet 305, MedGen C0079301, MONDO:0017612.
Junctional epidermolysis bullosa, non-Herlitz type. Also called: EPIDERMOLYSIS BULLOSA JUNCTIONALIS, DISENTIS TYPE; EPIDERMOLYSIS BULLOSA JUNCTIONALIS, NON-HERLITZ TYPE; EPIDERMOLYSIS BULLOSA JUNCTIONALIS, PROGRESSIVE; EPIDERMOLYSIS BULLOSA JUNCTIONALIS, SEVERE NONLETHAL; Adult junctional epidermolysis bullosa; Epidermolysis bullosa, junctional, non-herlitz type, somatic mosaic revertant. Identifiers: Orphanet 251393, Orphanet 79402, Orphanet 79405, Orphanet 89840, MedGen C0268374, MONDO:0009180, OMIM 226650.
Junctional epidermolysis bullosa gravis of Herlitz. Also called: EPIDERMOLYSIS BULLOSA JUNCTIONALIS, HERLITZ TYPE; EPIDERMOLYSIS BULLOSA, JUNCTIONAL, HERLITZ-PEARSON TYPE; JEB-HERLITZ TYPE; Epidermolysis Bullosa Letalis; Herlitz-type junctional epidermolysis bullosa; EPIDERMOLYSIS BULLOSA, JUNCTIONAL 1B, SEVERE. Identifiers: Orphanet 79404, MedGen C0079683, MONDO:0009182, OMIM 226700.

Allele frequency attached by ClinVar (database versions not stated): gnomAD exomes 0.18126; gnomAD 0.18212 and 0.17959; TOPMed 0.19323; 1000 Genomes Project 0.20907; 1000 Genomes Project 30x 0.21002.
gnomAD v4.1: 276,095 of 1,523,410 alleles (18%); highest among the groups gnomAD compares: East Asian, 39%; 27,092 homozygotes.

Submissions (5):

Genome-Nilou Lab
Classification: Benign for Junctional epidermolysis bullosa gravis of Herlitz. Last evaluated: 2021-07-08. Review status: criteria provided, single submitter. Criteria: ACMG Guidelines, 2015. Collection method: clinical testing. Allele origin: germline. Affected: no.

Genome-Nilou Lab
Classification: Benign for Junctional epidermolysis bullosa, non-Herlitz type. Last evaluated: 2021-07-08. Review status: criteria provided, single submitter. Criteria: ACMG Guidelines, 2015. Collection method: clinical testing. Allele origin: germline. Affected: no.

Illumina Laboratory Services, Illumina
Classification: Benign for Junctional epidermolysis bullosa. Last evaluated: 2018-01-12. Review status: criteria provided, single submitter. Criteria: ICSL Variant Classification Criteria 13 December 2019. Collection method: clinical testing. Allele origin: germline.
Comment: This variant was observed in the ICSL laboratory as part of a predisposition screen in an ostensibly healthy population. It had not been previously curated by ICSL or reported in the Human Gene Mutation Database (HGMD: prior to June 1st, 2018), and was therefore a candidate for classification through an automated scoring system. Utilizing variant allele frequency, disease prevalence and penetrance estimates, and inheritance mode, an automated score was calculated to assess if this variant is too frequent to cause the disease. Based on the score and internal cut-off values, a variant classified as benign is not then subjected to further curation. The score for this variant resulted in a classification of benign for this disease.

GeneDx
Classification: Benign. Last evaluated: 2015-03-03. Review status: criteria provided, single submitter. Criteria: GeneDx Variant Classification Process June 2021. Collection method: clinical testing. Allele origin: germline. Affected: yes.

Breakthrough Genomics
Classification: Benign. Review status: criteria provided, single submitter. Criteria: ACMG Guidelines, 2015. Collection method: not provided. Allele origin: germline. Inheritance: Autosomal recessive inheritance. Affected: yes.